The following is an entry in ClinVar:

ClinVar aggregate classification (germline): Uncertain significance. Review status: criteria provided, single submitter (1 of 4 stars). 2 submissions from 2 submitters: Uncertain significance (1). 1 of the submissions does not count toward it. Last evaluated 2021-10-29.

Conditions:
Baller-Gerold syndrome (BGS). Also called: CRANIOSYNOSTOSIS WITH RADIAL DEFECTS. Identifiers: Orphanet 1225, MedGen C0265308, MONDO:0009039, OMIM 218600.

Allele frequency attached by ClinVar (database versions not stated): gnomAD exomes below 0.00001; TOPMed below 0.00001; ExAC 0.00001.
gnomAD v4.1: 5 of 1,612,550 alleles (0.00031%); highest among the groups gnomAD compares: East Asian, 0.0022%; no homozygotes.

Submissions (2):

Labcorp Genetics (formerly Invitae), Labcorp
Classification: Uncertain significance for Baller-Gerold syndrome. Last evaluated: 2021-10-29. Review status: criteria provided, single submitter. Criteria: Invitae Variant Classification Sherloc (09022015). Collection method: clinical testing. Allele origin: germline.
Comment: In summary, the available evidence is currently insufficient to determine the role of this variant in disease. Therefore, it has been classified as a Variant of Uncertain Significance. Experimental studies and prediction algorithms are not available or were not evaluated, and the functional significance of this variant is currently unknown. ClinVar contains an entry for this variant (Variation ID: 135143). This variant has not been reported in the literature in individuals affected with RECQL4-related conditions. This variant is present in population databases (rs587778645, gnomAD 0.005%). This sequence change replaces glycine, which is neutral and non-polar, with arginine, which is basic and polar, at codon 979 of the RECQL4 protein (p.Gly979Arg).

ITMI
No classification provided. Condition: AllHighlyPenetrant. Last evaluated: 2013-09-19. Review status: no classification provided. Collection method: reference population. Allele origin: germline. Not counted in ClinVar's aggregate classification.
Comment: Please see associated publication for description of ethnicities

Literature cited by the submitters: PubMed 24728327 (cited by ITMI).

NM_004260.4(RECQL4):c.2935G>A (p.Gly979Arg)

Gene: RECQL4 (RecQ like helicase 4; minus strand). Cytogenetic location: 8q24.3.
Variant type: single nucleotide variant.
Coding change: c.2935G>A on transcript NM_004260.4 (MANE Select); coding-DNA position 2935, G replaced by A.
Protein change: p.Gly979Arg; replaces glycine 979 with arginine.
Molecular consequence: missense variant.
Genome position (GRCh38, 1-based): chr8:144,512,512, C>T on the plus strand (G>A on the coding strand, the complement: RECQL4 is on the minus strand). VCF-style: chr8-144512512-C-T. GRCh37 (hg19) VCF-style: chr8-145737895-C-T.
Other names: short protein forms G979R.
Identifiers: ClinVar variation 135143 (VCV000135143.6), dbSNP rs587778645, ClinGen allele CA161843.